The following is an entry in ClinVar:

NM_015275.3(WASHC4):c.3220C>T (p.Gln1074Ter)

Gene: WASHC4 (WASH complex subunit 4; plus strand). Cytogenetic location: 12q23.3.
Variant type: single nucleotide variant.
Coding change: c.3220C>T on transcript NM_015275.3 (MANE Select); coding-DNA position 3220, C replaced by T.
Protein change: p.Gln1074Ter; replaces glutamine 1074 with a stop codon.
Molecular consequence: nonsense.
Genome position (GRCh38, 1-based): chr12:105,164,173, C>T. VCF-style: chr12-105164173-C-T. GRCh37 (hg19) VCF-style: chr12-105557951-C-T.
Other names: c.3223C>T, p.Gln1075Ter (NM_001293640.2); c.3220C>T (NM_015275.2); short protein forms Q1074*, Q1075*.
Identifiers: ClinVar variation 2579486 (VCV002579486.4), dbSNP rs781662716, ClinGen allele CA6759196.

ClinVar aggregate classification (germline): Uncertain significance. Review status: criteria provided, single submitter (1 of 4 stars). 2 submissions from 2 submitters: Uncertain significance (1). 1 of the submissions does not count toward it. Last evaluated 2026-01-21.

Conditions:
WASHC4-related disorder. Also called: WASHC4-related condition.

Allele frequency attached by ClinVar (database versions not stated): gnomAD exomes 0.00006; gnomAD 0.00008; TOPMed 0.00017; ExAC 0.00041.
gnomAD v4.1: 105 of 1,613,966 alleles (0.0065%); highest among the groups gnomAD compares: Admixed American, 0.16%; no homozygotes.

Submissions (2):

GeneDx
Classification: Uncertain significance. Last evaluated: 2026-01-21. Review status: criteria provided, single submitter. Criteria: GeneDx Variant Classification Process June 2021. Collection method: clinical testing. Allele origin: germline. Affected: yes.
Comment: Nonsense variant predicted to result in protein truncation or nonsense mediated decay in a gene for which loss of function is a known mechanism of disease; Has not been previously published as pathogenic or benign to our knowledge

PreventionGenetics, part of Exact Sciences
Classification: Uncertain significance for WASHC4-related condition. Last evaluated: 2024-07-20. Review status: no assertion criteria provided. Collection method: clinical testing. Allele origin: germline. Not counted in ClinVar's aggregate classification.
Comment: The WASHC4 c.3220C>T variant is predicted to result in premature protein termination (p.Gln1074*). To our knowledge, this variant has not been reported in the literature. This variant is reported in 0.16% of alleles in individuals of Latino descent in gnomAD. Although we suspect that this variant may be pathogenic, at this time, the clinical significance of this variant is uncertain due to the absence of conclusive functional and genetic evidence.